The following is an entry in ClinVar:

ClinVar aggregate classification (germline): Uncertain significance. Review status: criteria provided, multiple submitters, no conflicts (2 of 4 stars). 3 submissions from 3 submitters: Uncertain significance (3). Last evaluated 2025-07-07.

Conditions:
Hereditary cancer-predisposing syndrome. Also called: Neoplastic Syndromes, Hereditary; Tumor predisposition; Hereditary Cancer Syndrome; Hereditary neoplastic syndrome. Identifiers: Orphanet 140162, MedGen C0027672, MeSH D009386, MONDO:0015356.
Familial cancer of breast. Also called: Hereditary breast cancer; BREAST CANCER, FAMILIAL; hereditary breast carcinoma. Identifiers: Orphanet 227535, MedGen C0346153, MONDO:0016419, OMIM 114480. Disease mechanism: loss of function.

Submissions (3):

KCCC/NGS Laboratory, Kuwait Cancer Control Center
Classification: Uncertain significance for Familial cancer of breast. Last evaluated: 2025-07-07. Review status: criteria provided, single submitter. Criteria: ACMG Guidelines, 2015. Collection method: clinical testing. Allele origin: germline. Inheritance: Autosomal dominant inheritance. Affected: yes.
Comment: the available evidence is currently insufficient to determine the role of this variant in disease. Therefore, it has been classified as a Variant of Uncertain Significance

Labcorp Genetics (formerly Invitae), Labcorp
Classification: Uncertain significance for Hereditary cancer-predisposing syndrome. Last evaluated: 2023-09-06. Review status: criteria provided, single submitter. Criteria: Invitae Variant Classification Sherloc (09022015). Collection method: clinical testing. Allele origin: germline.
Comment: This variant has not been reported in the literature in individuals affected with RAD50-related conditions. This variant is not present in population databases (gnomAD no frequency). This sequence change replaces threonine, which is neutral and polar, with alanine, which is neutral and non-polar, at codon 26 of the RAD50 protein (p.Thr26Ala). In summary, the available evidence is currently insufficient to determine the role of this variant in disease. Therefore, it has been classified as a Variant of Uncertain Significance. Advanced modeling of protein sequence and biophysical properties (such as structural, functional, and spatial information, amino acid conservation, physicochemical variation, residue mobility, and thermodynamic stability) performed at Invitae indicates that this missense variant is not expected to disrupt RAD50 protein function. ClinVar contains an entry for this variant (Variation ID: 1760197).

Ambry Genetics
Classification: Uncertain significance for Hereditary cancer-predisposing syndrome. Last evaluated: 2022-09-25. Review status: criteria provided, single submitter. Criteria: Ambry Variant Classification Scheme 2023. Collection method: clinical testing. Allele origin: germline.
Comment: The p.T26A variant (also known as c.76A>G), located in coding exon 1 of the RAD50 gene, results from an A to G substitution at nucleotide position 76. The threonine at codon 26 is replaced by alanine, an amino acid with similar properties. This amino acid position is conserved. In addition, this alteration is predicted to be tolerated by in silico analysis. Since supporting evidence is limited at this time, the clinical significance of this alteration remains unclear.

NM_005732.4(RAD50):c.76A>G (p.Thr26Ala)

Gene: RAD50 (RAD50 double strand break repair protein; plus strand). Cytogenetic location: 5q31.1.
Variant type: single nucleotide variant.
Coding change: c.76A>G on transcript NM_005732.4 (MANE Select); coding-DNA position 76, A replaced by G.
Protein change: p.Thr26Ala; replaces threonine 26 with alanine.
Molecular consequence: missense variant.
Genome position (GRCh38, 1-based): chr5:132,557,400, A>G. VCF-style: chr5-132557400-A-G. GRCh37 (hg19) VCF-style: chr5-131893092-A-G.
Other names: short protein forms T26A.
Identifiers: ClinVar variation 1760197 (VCV001760197.6), dbSNP rs1750021820, ClinGen allele CA360951438.